The following is an entry in ClinVar:

ClinVar aggregate classification (germline): Uncertain significance. Review status: criteria provided, multiple submitters, no conflicts (2 of 4 stars). 3 submissions from 3 submitters: Uncertain significance (2). 1 of the submissions does not count toward it. Last evaluated 2025-02-21.

Conditions:
Dystonia, dopa-responsive, with or without hyperphenylalaninemia, autosomal recessive. Identifiers: MedGen CN322657, MONDO:0100098.

Allele frequency attached by ClinVar (database versions not stated): gnomAD exomes below 0.00001; TOPMed 0.00001.
gnomAD v4.1: 2 of 1,614,172 alleles (0.00012%); highest among the groups gnomAD compares: Admixed American, 0.0017%; no homozygotes.

Submissions (3):

Women's Health and Genetics/Laboratory Corporation of America, LabCorp
Classification: Uncertain significance. Last evaluated: 2025-02-21. Review status: criteria provided, single submitter. Criteria: LabCorp Variant Classification Summary - May 2015. Collection method: clinical testing. Allele origin: germline.
Comment: Variant summary: GCH1 c.747G>C (p.Arg249Ser) results in a non-conservative amino acid change located in the GTP cyclohydrolase I domain (IPR020602) of the encoded protein sequence. Four of five in-silico tools predict a damaging effect of the variant on protein function. The variant allele was found at a frequency of 4e-06 in 249020 control chromosomes. c.747G>C has been reported in the literature in a homozygous individual affected with Dystonia 5 (Hwu_1999, Novelli_2024). These data indicate that the variant may be associated with disease. At least one publication reports experimental evidence evaluating an impact on protein function. These results showed no damaging effect of this variant but protein stability is affected (Hwu_1999). The following publications have been ascertained in the context of this evaluation (PMID: 10987649, 39001623). ClinVar contains an entry for this variant (Variation ID: 9286). Based on the evidence outlined above, the variant was classified as VUS-possibly pathogenic.

Athena Diagnostics
Classification: Uncertain significance. Last evaluated: 2017-03-08. Review status: criteria provided, single submitter. Criteria: Athena Diagnostics Criteria. Collection method: clinical testing. Allele origin: germline.

OMIM
Classification: Pathogenic for DYSTONIA, DOPA-RESPONSIVE, WITH OR WITHOUT HYPERPHENYLALANINEMIA, AUTOSOMAL RECESSIVE. Last evaluated: 1999-09-01. Review status: no assertion criteria provided. Collection method: literature only. Allele origin: germline. Not counted in ClinVar's aggregate classification.

Literature cited by the submitters: PubMed 10987649 (cited by 3 submitters); PubMed 39001623 (cited by Women's Health and Genetics/Laboratory Corporation of America, LabCorp).

NM_000161.3(GCH1):c.747G>C (p.Arg249Ser)

Gene: GCH1 (GTP cyclohydrolase 1; minus strand). Cytogenetic location: 14q22.2.
Variant type: single nucleotide variant.
Coding change: c.747G>C on transcript NM_000161.3 (MANE Select); coding-DNA position 747, G replaced by C.
Protein change: p.Arg249Ser; replaces arginine 249 with serine.
Molecular consequence: missense variant. On other transcripts: intron variant (2).
Genome position (GRCh38, 1-based): chr14:54,844,023, C>G on the plus strand (G>C on the coding strand, the complement: GCH1 is on the minus strand). VCF-style: chr14-54844023-C-G. GRCh37 (hg19) VCF-style: chr14-55310741-C-G.
Other names: c.747G>C, p.Arg249Ser (NM_001024024.2); c.627-969G>C (NM_001024071.2); c.627-154G>C (NM_001024070.2); short protein forms R249S.
Identifiers: ClinVar variation 9286 (VCV000009286.3), dbSNP rs104894442, ClinGen allele CA120281.
Genomic context (GRCh38, chr14:54,844,023, plus strand): 5'-GACAATGCTACTGGCAGTACGATCGGCAACCAACGCACACACACTGAATGAAGCTCAGCT[C>G]CTAATGAGAGTCAGGAACTCTTCCCGAGTCTTTGGATCCTCCCGGAACACACCCAACATT-3'
Protein context (NP_000152.1, residues 239-250): KTREEFLTLI[Arg249Ser]S